The following is an entry in ClinVar:

NM_006618.5(KDM5B):c.2238T>C (p.Asn746=)

Gene: KDM5B (lysine demethylase 5B; minus strand). Cytogenetic location: 1q32.1.
Variant type: single nucleotide variant.
Coding change: c.2238T>C on transcript NM_006618.5 (MANE Select); coding-DNA position 2238, T replaced by C.
Protein change: p.Asn746=; no amino-acid change (asparagine 746 retained).
Molecular consequence: synonymous variant.
Genome position (GRCh38, 1-based): chr1:202,745,943, A>G on the plus strand (T>C on the coding strand, the complement: KDM5B is on the minus strand). VCF-style: chr1-202745943-A-G. GRCh37 (hg19) VCF-style: chr1-202715071-A-G.
Other names: c.2346T>C, p.Asn782= (NM_001314042.2); c.2103T>C, p.Asn701= (NM_001347591.2); c.2223T>C, p.Asn741= (NM_001399817.1).
Identifiers: ClinVar variation 5041264 (VCV005041264.1).

ClinVar aggregate classification (germline): Likely benign (1 of 4 stars; one submission).

gnomAD v4.1: 71 of 1,613,800 alleles (0.0044%); highest among the groups gnomAD compares: Non-Finnish European, 0.0055%; no homozygotes.

Submission:

CeGaT Center for Human Genetics Tuebingen
Classification: Likely benign. Last evaluated: 2026-09-01. Review status: criteria provided, single submitter. Criteria: CeGaT Center For Human Genetics Tuebingen Variant Classification Criteria Version 2. Collection method: clinical testing. Allele origin: germline. Affected: yes. Observed: 1 variant allele.
Comment: KDM5B: BP4, BP7